The following is an entry in ClinVar:

ClinVar aggregate classification (germline): Uncertain significance (1 of 4 stars; one submission).

Conditions:
Hereditary cancer-predisposing syndrome. Also called: Neoplastic Syndromes, Hereditary; Tumor predisposition; Hereditary Cancer Syndrome; Hereditary neoplastic syndrome. Identifiers: Orphanet 140162, MedGen C0027672, MeSH D009386, MONDO:0015356.

gnomAD v4.1: 1 of 1,612,248 alleles (0.000062%); highest among the groups gnomAD compares: Non-Finnish European, 0.000085%; no homozygotes.

Submission:

Ambry Genetics
Classification: Uncertain significance for Hereditary cancer-predisposing syndrome. Last evaluated: 2025-11-01. Review status: criteria provided, single submitter. Criteria: Ambry Variant Classification Scheme 2023. Collection method: clinical testing. Allele origin: germline.
Comment: The p.G109E variant (also known as c.326G>A), located in coding exon 3 of the CTNNA1 gene, results from a G to A substitution at nucleotide position 326. The glycine at codon 109 is replaced by glutamic acid, an amino acid with similar properties. This amino acid position is conserved. In addition, the in silico prediction for this alteration is inconclusive. Based on the available evidence, the clinical significance of this variant remains unclear.

NM_001903.5(CTNNA1):c.326G>A (p.Gly109Glu)

Gene: CTNNA1 (catenin alpha 1; plus strand). Cytogenetic location: 5q31.2.
Variant type: single nucleotide variant.
Coding change: c.326G>A on transcript NM_001903.5 (MANE Select); coding-DNA position 326, G replaced by A.
Protein change: p.Gly109Glu; replaces glycine 109 with glutamic acid.
Molecular consequence: missense variant. On other transcripts: intron variant (1).
Genome position (GRCh38, 1-based): chr5:138,810,062, G>A. VCF-style: chr5-138810062-G-A. GRCh37 (hg19) VCF-style: chr5-138145751-G-A.
Other names: c.326G>A, p.Gly109Glu (NM_001290307.3, NM_001323982.2, NM_001323983.1 and 3 more transcripts); c.17G>A, p.Gly6Glu (NM_001290309.3); c.-5-39G>A (NM_001290310.3); short protein forms G109E, G6E.
Identifiers: ClinVar variation 4635487 (VCV004635487.1).